The following is an entry in ClinVar:

ClinVar aggregate classification (germline): Uncertain significance (1 of 4 stars; one submission).

Submission:

Labcorp Genetics (formerly Invitae), Labcorp
Classification: Uncertain significance. Last evaluated: 2022-05-20. Review status: criteria provided, single submitter. Criteria: Invitae Variant Classification Sherloc (09022015). Collection method: clinical testing. Allele origin: germline.
Comment: This variant has not been reported in the literature in individuals affected with MFSD2A-related conditions. In summary, the available evidence is currently insufficient to determine the role of this variant in disease. Therefore, it has been classified as a Variant of Uncertain Significance. Algorithms developed to predict the effect of missense changes on protein structure and function are either unavailable or do not agree on the potential impact of this missense change (SIFT: "Deleterious"; PolyPhen-2: "Probably Damaging"; Align-GVGD: "Class C0"). This variant is not present in population databases (gnomAD no frequency). This sequence change replaces glutamine, which is neutral and polar, with arginine, which is basic and polar, at codon 361 of the MFSD2A protein (p.Gln361Arg).

NM_032793.5(MFSD2A):c.1043A>G (p.Gln348Arg)

Gene: MFSD2A (MFSD2 lysolipid transporter A, lysophospholipid; plus strand). Cytogenetic location: 1p34.2.
Variant type: single nucleotide variant.
Coding change: c.1043A>G on transcript NM_032793.5 (MANE Select); coding-DNA position 1043, A replaced by G.
Protein change: p.Gln348Arg; replaces glutamine 348 with arginine.
Molecular consequence: missense variant. On other transcripts: intron variant (1).
Genome position (GRCh38, 1-based): chr1:39,967,659, A>G. VCF-style: chr1-39967659-A-G. GRCh37 (hg19) VCF-style: chr1-40433331-A-G.
Other names: c.1082A>G, p.Gln361Arg (NM_001136493.3); c.575A>G, p.Gln192Arg (NM_001287808.2); c.926A>G, p.Gln309Arg (NM_001287809.2); c.1037A>G, p.Gln346Arg (NM_001349821.2); c.698A>G, p.Gln233Arg (NM_001349823.2); c.1012-145A>G (NM_001349822.2); short protein forms Q361R, Q309R, Q192R, Q233R, Q346R, Q348R.
Identifiers: ClinVar variation 1996885 (VCV001996885.4), dbSNP rs1645192917, ClinGen allele CA339837830.
Genomic context (GRCh38, chr1:39,967,659, plus strand): 5'-TCCCTTTAACCCCCTTTGTCCATCCACAGCTCTCGGCCACTTTAACCATTCCCATCTGGC[A>G]GTGGTTCTTGACCCGGTTTGGCAAGAAGACAGCTGTATATGTTGGGATCTCAGTGAGTGG-3'
Protein context (NP_116182.2, residues 338-358): LSATLTIPIW[Gln348Arg]WFLTRFGKKT